The following is an entry in ClinVar:

ClinVar aggregate classification (germline): Pathogenic (1 of 4 stars; one submission).

Conditions:
Primary immunodeficiency with post-measles-mumps-rubella vaccine viral infection. Also called: Immunodeficiency 44. Identifiers: Orphanet 431166, MedGen C4225260, MONDO:0014715, OMIM 616636.

Submission:

Laboratory of Inborn Errors of Immunity, KU Leuven
Classification: Pathogenic for Primary immunodeficiency with post-measles-mumps-rubella vaccine viral infection. Last evaluated: 2026-05-19. Review status: criteria provided, single submitter. Criteria: ACMG Guidelines, 2015. Collection method: research. Allele origin: germline. Inheritance: Autosomal recessive inheritance. Affected: yes. Observed: 1 variant allele, 1 homozygote.
Comment: The c.941+1G>T variant in STAT2 has not been previously reported in large population studies. It is a private variant (allele frequency is 0). This variant segregates with the clinical phenotype of STAT2 deficiency (PMID:23391734, PMID:36976641) following an autosomal recessive inheritance model in this family. This sequence change abolishes a splice site (CADD score: 33, spliceAI: donor loss) resulting in six different splice variants but no wild-type STAT2. In vitro functional studies confirmed loss of full-length STAT2 protein expression, loss of STAT2 phosphorylation and lack of downstream interferon-stimulated genes induction after stimulation with type I interferon. This variant meets the ACMG/AMP criteria to be classified as pathogenic (PVS1, PS3, PS4, PM2, PM3, PM4).

Literature cited by the submitters: PubMed 23391734; PubMed 36976641.

NM_005419.4(STAT2):c.941+1G>T

Gene: STAT2 (signal transducer and activator of transcription 2; minus strand). Cytogenetic location: 12q13.3.
Variant type: single nucleotide variant.
Coding change: c.941+1G>T on transcript NM_005419.4 (MANE Select); the canonical splice donor site of the intron after coding-DNA position 941, G replaced by T.
Molecular consequence: splice donor variant.
Genome position (GRCh38, 1-based): chr12:56,351,291, C>A on the plus strand (G>T on the coding strand, the complement: STAT2 is on the minus strand). VCF-style: chr12-56351291-C-A. GRCh37 (hg19) VCF-style: chr12-56745075-C-A.
Other names: c.929+1G>T (NM_001385110.1, NM_001385115.1, NM_198332.2); c.941+1G>T (NM_001385114.1, NM_001385111.1, NM_001385113.1).
Identifiers: ClinVar variation 4850983 (VCV004850983.1).